The following is an entry in ClinVar:

ClinVar aggregate classification (germline): Uncertain significance (1 of 4 stars; one submission).

Allele frequency attached by ClinVar (database versions not stated): TOPMed below 0.00001; gnomAD 0.00001.
gnomAD v4.1: 3 of 1,613,658 alleles (0.00019%); highest among the groups gnomAD compares: Non-Finnish European, 0.00025%; no homozygotes.

Submission:

Labcorp Genetics (formerly Invitae), Labcorp
Classification: Uncertain significance. Last evaluated: 2023-03-27. Review status: criteria provided, single submitter. Criteria: Invitae Variant Classification Sherloc (09022015). Collection method: clinical testing. Allele origin: germline.
Comment: This sequence change replaces alanine, which is neutral and non-polar, with threonine, which is neutral and polar, at codon 1538 of the ALPK3 protein (p.Ala1538Thr). This variant is present in population databases (no rsID available, gnomAD 0.0009%). This variant has not been reported in the literature in individuals affected with ALPK3-related conditions. Advanced modeling of protein sequence and biophysical properties (such as structural, functional, and spatial information, amino acid conservation, physicochemical variation, residue mobility, and thermodynamic stability) performed at Invitae indicates that this missense variant is expected to disrupt ALPK3 protein function. In summary, the available evidence is currently insufficient to determine the role of this variant in disease. Therefore, it has been classified as a Variant of Uncertain Significance.

NM_020778.5(ALPK3):c.4006G>A (p.Ala1336Thr)

Gene: ALPK3 (alpha kinase 3; plus strand). Cytogenetic location: 15q25.3.
Variant type: single nucleotide variant.
Coding change: c.4006G>A on transcript NM_020778.5 (MANE Select); coding-DNA position 4006, G replaced by A.
Protein change: p.Ala1336Thr; replaces alanine 1336 with threonine.
Molecular consequence: missense variant.
Genome position (GRCh38, 1-based): chr15:84,859,816, G>A. VCF-style: chr15-84859816-G-A. GRCh37 (hg19) VCF-style: chr15-85403047-G-A.
Other names: short protein forms A1336T.
Identifiers: ClinVar variation 2730172 (VCV002730172.3), dbSNP rs1365561580, ClinGen allele CA393361876.